The following is an entry in ClinVar:

NM_000937.5(POLR2A):c.439C>T (p.Leu147Phe)

Gene: POLR2A (RNA polymerase II subunit A; plus strand). Cytogenetic location: 17p13.1.
Variant type: single nucleotide variant.
Coding change: c.439C>T on transcript NM_000937.5 (MANE Select); coding-DNA position 439, C replaced by T.
Protein change: p.Leu147Phe; replaces leucine 147 with phenylalanine.
Molecular consequence: missense variant.
Genome position (GRCh38, 1-based): chr17:7,496,515, C>T. VCF-style: chr17-7496515-C-T. GRCh37 (hg19) VCF-style: chr17-7399834-C-T.
Other names: short protein forms L147F.
Identifiers: ClinVar variation 4529678 (VCV004529678.3).

ClinVar aggregate classification (germline): Uncertain significance (1 of 4 stars; one submission).

Submission:

GeneDx
Classification: Uncertain significance. Last evaluated: 2026-09-14. Review status: criteria provided, single submitter. Criteria: GeneDx Variant Classification Process June 2021. Collection method: clinical testing. Allele origin: germline.
Comment: In silico analysis supports that this missense variant has a deleterious effect on protein structure/function; Has not been previously published as pathogenic or benign to our knowledge